The following is an entry in ClinVar:

NM_001127453.2(GSDME):c.630G>C (p.Glu210Asp)

Gene: GSDME (gasdermin E; minus strand). Cytogenetic location: 7p15.3.
Variant type: single nucleotide variant.
Coding change: c.630G>C on transcript NM_001127453.2 (MANE Select); coding-DNA position 630, G replaced by C.
Protein change: p.Glu210Asp; replaces glutamic acid 210 with aspartic acid.
Molecular consequence: missense variant.
Genome position (GRCh38, 1-based): chr7:24,717,321, C>G on the plus strand (G>C on the coding strand, the complement: GSDME is on the minus strand). VCF-style: chr7-24717321-C-G. GRCh37 (hg19) VCF-style: chr7-24756940-C-G.
Other names: c.138G>C, p.Glu46Asp (NM_001127454.2); c.630G>C, p.Glu210Asp (NM_004403.3); short protein forms E210D, E46D.
Identifiers: ClinVar variation 3615714 (VCV003615714.2).

ClinVar aggregate classification (germline): Uncertain significance (1 of 4 stars; one submission).

gnomAD v4.1: 1 of 1,610,516 alleles (0.000062%); highest among the groups gnomAD compares: Middle Eastern, 0.017%; no homozygotes.

Submission:

Labcorp Genetics (formerly Invitae), Labcorp
Classification: Uncertain significance. Last evaluated: 2024-11-30. Review status: criteria provided, single submitter. Criteria: Invitae Variant Classification Sherloc (09022015). Collection method: clinical testing. Allele origin: germline.
Comment: This sequence change replaces glutamic acid, which is acidic and polar, with aspartic acid, which is acidic and polar, at codon 210 of the DFNA5 protein (p.Glu210Asp). This variant is not present in population databases (gnomAD no frequency). This variant has not been reported in the literature in individuals affected with DFNA5-related conditions. Invitae Evidence Modeling of protein sequence and biophysical properties (such as structural, functional, and spatial information, amino acid conservation, physicochemical variation, residue mobility, and thermodynamic stability) has been performed for this missense variant. However, the output from this modeling did not meet the statistical confidence thresholds required to predict the impact of this variant on DFNA5 protein function. In summary, the available evidence is currently insufficient to determine the role of this variant in disease. Therefore, it has been classified as a Variant of Uncertain Significance.